The following is an entry in ClinVar:

ClinVar aggregate classification (germline): Benign/Likely benign. Review status: criteria provided, multiple submitters, no conflicts (2 of 4 stars). 2 submissions from 2 submitters: Benign (1); Likely benign (1). Last evaluated 2023-01-21.

Conditions:
Cataract 1 multiple types. Also called: CATARACT 1, NUCLEAR PROGRESSIVE; CATARACT 1 WITH MICROCORNEA; CATARACT 1, POSTERIOR SUBCAPSULAR, WITH MICROCORNEA; CATARACT 1, MULTIPLE TYPES, WITH OR WITHOUT MICROCORNEA; CATARACT, DUFFY-LINKED; CATARACT 1, STELLATE NUCLEAR, WITH MICROCORNEA. Identifiers: Orphanet 1377, MedGen C1861828, MONDO:0007285, OMIM 116200.

Allele frequency attached by ClinVar (database versions not stated): gnomAD below 0.00001 and 0.00005; 1000 Genomes Project 0.00060; 1000 Genomes Project 30x 0.00062; gnomAD exomes 0.00042; TOPMed 0.00002; ExAC 0.00076.
gnomAD v4.1: 303 of 1,603,586 alleles (0.019%); highest among the groups gnomAD compares: South Asian, 0.32%; 3 homozygotes.

Submissions (2):

Dept. Genetics and Cancer, Menzies Institute for Medical Research, University of Tasmania
Classification: Likely benign for Cataract 1 multiple types. Last evaluated: 2023-01-21. Review status: criteria provided, single submitter. Criteria: ACMG Guidelines, 2015. Collection method: curation. Allele origin: germline. Affected: yes.
Comment: Variant identified and curated during a GJA8 specific review of the literature in relation to pediatric or congenital cataract. ACMG-AMP criteria applied: BS1(Moderate). Original variant report: PMID:28530003 and DOI 10.17582/. The cataract phenotype reported for this variant is: Cortical. Gene review and curation guidelines are outlined in: DOI 10.1080/17469899.2023.2160320

Illumina Laboratory Services, Illumina
Classification: Benign for Cataract 1 multiple types. Last evaluated: 2018-01-13. Review status: criteria provided, single submitter. Criteria: ICSL Variant Classification Criteria 13 December 2019. Collection method: clinical testing. Allele origin: germline.
Comment: This variant was observed in the ICSL laboratory as part of a predisposition screen in an ostensibly healthy population. It had not been previously curated by ICSL or reported in the Human Gene Mutation Database (HGMD: prior to June 1st, 2018), and was therefore a candidate for classification through an automated scoring system. Utilizing variant allele frequency, disease prevalence and penetrance estimates, and inheritance mode, an automated score was calculated to assess if this variant is too frequent to cause the disease. Based on the score and internal cut-off values, a variant classified as benign is not then subjected to further curation. The score for this variant resulted in a classification of benign for this disease.

Literature cited by the submitters: PubMed 28530003 (cited by Dept. Genetics and Cancer, Menzies Institute for Medical Research, University of Tasmania).

NM_005267.5(GJA8):c.1102G>C (p.Glu368Gln)

Gene: GJA8 (gap junction protein alpha 8; plus strand). Cytogenetic location: 1q21.2.
Variant type: single nucleotide variant.
Coding change: c.1102G>C on transcript NM_005267.5 (MANE Select); coding-DNA position 1102, G replaced by C.
Protein change: p.Glu368Gln; replaces glutamic acid 368 with glutamine.
Molecular consequence: missense variant.
Genome position (GRCh38, 1-based): chr1:147,909,057, G>C. VCF-style: chr1-147909057-G-C. GRCh37 (hg19) VCF-style: chr1-147381184-G-C.
Other names: short protein forms E368Q.
Identifiers: ClinVar variation 292473 (VCV000292473.7), dbSNP rs587673409, ClinGen allele CA1066084.
Genomic context (GRCh38, chr1:147,909,057, plus strand): 5'-GAGAAGAAGGAGGAAGCAGAGAGGCTGACCACGGAGGAGCAGGAGAAGGTGGCCGTGCCA[G>C]AGGGGGAGAAAGTAGAGACCCCCGGAGTGGATAAGGAGGGTGAAAAAGAAGAGCCGCAGT-3'
Protein context (NP_005258.2, residues 358-378): TEEQEKVAVP[Glu368Gln]GEKVETPGVD